The following is an entry in ClinVar:

NM_002528.7(NTHL1):c.55G>A (p.Ala19Thr)

Gene: NTHL1 (nth like DNA glycosylase 1; minus strand). Cytogenetic location: 16p13.3.
Variant type: single nucleotide variant.
Coding change: c.55G>A on transcript NM_002528.7 (MANE Select); coding-DNA position 55, G replaced by A.
Protein change: p.Ala19Thr; replaces alanine 19 with threonine.
Molecular consequence: missense variant. On other transcripts: 5 prime UTR variant (1).
Genome position (GRCh38, 1-based): chr16:2,047,769, C>T on the plus strand (G>A on the coding strand, the complement: NTHL1 is on the minus strand). VCF-style: chr16-2047769-C-T. GRCh37 (hg19) VCF-style: chr16-2097770-C-T.
Other names: c.55G>A, p.Ala19Thr (NM_001318193.2); c.-124G>A (NM_001318194.2); c.79G>A (NM_002528.5); short protein forms A19T.
Identifiers: ClinVar variation 1490890 (VCV001490890.9), dbSNP rs2150958171, ClinGen allele CA394298472.
Genomic context (GRCh38, chr16:2,047,769, plus strand): 5'-CTGCTGCAGCCTCTCTTCTCCGGAGAGGCCCGGGCTCCTCCCTACACCCCCGCGGCCCAG[C>T]CCCGGGTCCCAGGCTCCGGCTCCGGGTCAGCATCCTCGCGCTCAAGGCGGTCATGCCGGA-3'
Protein context (NP_002519.2, residues 9-29): LTRSRSLGPG[Ala19Thr]GPRGCREEPG

ClinVar aggregate classification (germline): Uncertain significance. Review status: criteria provided, multiple submitters, no conflicts (2 of 4 stars). 2 submissions from 2 submitters: Uncertain significance (2). Last evaluated 2025-11-24.

Conditions:
Hereditary cancer-predisposing syndrome. Also called: Tumor predisposition; Hereditary neoplastic syndrome; Neoplastic Syndromes, Hereditary; Hereditary Cancer Syndrome. Identifiers: Orphanet 140162, MedGen C0027672, MeSH D009386, MONDO:0015356.

gnomAD v4.1: 1 of 1,587,374 alleles (0.000063%); highest among the groups gnomAD compares: Non-Finnish European, 0.000085%; no homozygotes.

Submissions (2):

Labcorp Genetics (formerly Invitae), Labcorp
Classification: Uncertain significance. Last evaluated: 2025-11-24. Review status: criteria provided, single submitter. Criteria: Invitae Variant Classification Sherloc (09022015). Collection method: clinical testing. Allele origin: germline.
Comment: This sequence change replaces alanine, which is neutral and non-polar, with threonine, which is neutral and polar, at codon 27 of the NTHL1 protein (p.Ala27Thr). This variant is not present in population databases (gnomAD no frequency). This variant has not been reported in the literature in individuals affected with NTHL1-related conditions. ClinVar contains an entry for this variant (Variation ID: 1490890). An algorithm developed to predict the effect of missense changes on protein structure and function outputs the following: PolyPhen-2: "Benign". The threonine amino acid residue is found in multiple mammalian species, which suggests that this missense change does not adversely affect protein function. In summary, the available evidence is currently insufficient to determine the role of this variant in disease. Therefore, it has been classified as a Variant of Uncertain Significance.

Ambry Genetics
Classification: Uncertain significance for Hereditary cancer-predisposing syndrome. Last evaluated: 2024-01-03. Review status: criteria provided, single submitter. Criteria: Ambry Variant Classification Scheme 2023. Collection method: clinical testing. Allele origin: germline.
Comment: The p.A27T variant (also known as c.79G>A), located in coding exon 1 of the NTHL1 gene, results from a G to A substitution at nucleotide position 79. The alanine at codon 27 is replaced by threonine, an amino acid with similar properties. This amino acid position is conserved. In addition, this alteration is predicted to be tolerated by in silico analysis. Since supporting evidence is limited at this time, the clinical significance of this alteration remains unclear.